The following is an entry in ClinVar:

NM_001172509.2(SATB2):c.1150A>G (p.Arg384Gly)

Gene: SATB2 (SATB homeobox 2; minus strand). Cytogenetic location: 2q33.1.
Variant type: single nucleotide variant.
Coding change: c.1150A>G on transcript NM_001172509.2 (MANE Select); coding-DNA position 1150, A replaced by G.
Protein change: p.Arg384Gly; replaces arginine 384 with glycine.
Molecular consequence: missense variant.
Genome position (GRCh38, 1-based): chr2:199,348,724, T>C on the plus strand (A>G on the coding strand, the complement: SATB2 is on the minus strand). VCF-style: chr2-199348724-T-C. GRCh37 (hg19) VCF-style: chr2-200213447-T-C.
Other names: c.1150A>G, p.Arg384Gly (NM_001172517.1, NM_015265.4); short protein forms R384G.
Identifiers: ClinVar variation 3901548 (VCV003901548.1).

ClinVar aggregate classification (germline): Pathogenic (1 of 4 stars; one submission).

Submission:

GeneDx
Classification: Pathogenic. Last evaluated: 2024-12-04. Review status: criteria provided, single submitter. Criteria: GeneDx Variant Classification Process June 2021. Collection method: clinical testing. Allele origin: germline. Affected: yes.
Comment: Not observed at significant frequency in large population cohorts (gnomAD); In silico analysis supports that this missense variant has a deleterious effect on protein structure/function; Has not been previously published as pathogenic or benign to our knowledge